The following is an entry in ClinVar:

ClinVar aggregate classification (germline): Uncertain significance (1 of 4 stars; one submission).

gnomAD v4.1: 5 of 1,614,158 alleles (0.00031%); highest among the groups gnomAD compares: Non-Finnish European, 0.00042%; no homozygotes.

Submission:

Mayo Clinic Laboratories, Mayo Clinic
Classification: Uncertain significance. Last evaluated: 2025-08-25. Review status: criteria provided, single submitter. Criteria: ACMG Guidelines, 2015. Collection method: clinical testing. Allele origin: germline. Observed: 1 variant allele.
Comment: BP4, PM2_supporting

NM_004371.4(COPA):c.3336C>A (p.Phe1112Leu)

Gene: COPA (coat protein complex I subunit alpha; minus strand). Cytogenetic location: 1q23.2.
Variant type: single nucleotide variant.
Coding change: c.3336C>A on transcript NM_004371.4 (MANE Select); coding-DNA position 3336, C replaced by A.
Protein change: p.Phe1112Leu; replaces phenylalanine 1112 with leucine.
Molecular consequence: missense variant.
Genome position (GRCh38, 1-based): chr1:160,291,419, G>T on the plus strand (C>A on the coding strand, the complement: COPA is on the minus strand). VCF-style: chr1-160291419-G-T. GRCh37 (hg19) VCF-style: chr1-160261209-G-T.
Other names: p.Phe1112Leu; c.3363C>A, p.Phe1121Leu (NM_001098398.2); short protein forms F1121L, F1112L.
Identifiers: ClinVar variation 4541784 (VCV004541784.1).
Genomic context (GRCh38, chr1:160,291,419, plus strand): 5'-CCCGAGTTCTAGTAGGCGCCGAGCAAAGGTGGCAGCTGTCTTGAAGTTCTTGAGCTTGAA[G>T]AACAGATTGAGGGCTGTACGCAGCACCAGGATCATGTGCACAGGCTGCAGGTTTGAGTGG-3'
Protein context (NP_004362.2, residues 1102-1122): ILVLRTALNL[Phe1112Leu]FKLKNFKTAA